The following is an entry in ClinVar:

ClinVar aggregate classification (germline): Pathogenic/Likely pathogenic. Review status: criteria provided, multiple submitters, no conflicts (2 of 4 stars). 9 submissions from 9 submitters: Pathogenic (4); Likely pathogenic (4). 1 of the submissions does not count toward it. Last evaluated 2024-09-29.

Conditions:
Wilson disease (WND). Also called: Wilson's disease. Identifiers: Orphanet 905, MedGen C0019202, MONDO:0010200, OMIM 277900. Disease mechanism: loss of function.

Allele frequency attached by ClinVar (database versions not stated): gnomAD exomes below 0.00001.

Submissions (9):

Labcorp Genetics (formerly Invitae), Labcorp
Classification: Pathogenic for Wilson disease. Last evaluated: 2024-09-29. Review status: criteria provided, single submitter. Criteria: Invitae Variant Classification Sherloc (09022015). Collection method: clinical testing. Allele origin: germline.
Comment: This sequence change replaces serine, which is neutral and polar, with proline, which is neutral and non-polar, at codon 744 of the ATP7B protein (p.Ser744Pro). This variant is not present in population databases (gnomAD no frequency). This missense change has been observed in individuals with Wilson disease (PMID: 10502777, 14748773, 21682854). ClinVar contains an entry for this variant (Variation ID: 800870). Invitae Evidence Modeling of protein sequence and biophysical properties (such as structural, functional, and spatial information, amino acid conservation, physicochemical variation, residue mobility, and thermodynamic stability) indicates that this missense variant is expected to disrupt ATP7B protein function with a positive predictive value of 80%. This variant disrupts the p.Ser744 amino acid residue in ATP7B. Other variant(s) that disrupt this residue have been observed in individuals with ATP7B-related conditions (PMID: 27398169), which suggests that this may be a clinically significant amino acid residue. For these reasons, this variant has been classified as Pathogenic.

Fulgent Genetics
Classification: Pathogenic for Wilson disease. Last evaluated: 2024-06-19. Review status: criteria provided, single submitter. Criteria: ACMG Guidelines, 2015. Collection method: clinical testing. Allele origin: germline.

Women's Health and Genetics/Laboratory Corporation of America, LabCorp
Classification: Pathogenic for Wilson disease. Last evaluated: 2024-06-14. Review status: criteria provided, single submitter. Criteria: LabCorp Variant Classification Summary - May 2015. Collection method: clinical testing. Allele origin: germline.
Comment: Variant summary: ATP7B c.2230T>C (p.Ser744Pro) results in a non-conservative amino acid change in the encoded protein sequence. Five of five in-silico tools predict a damaging effect of the variant on protein function. The variant was absent in 249582 control chromosomes (gnomAD). c.2230T>C has been reported in the literature in multiple individuals affected with Wilson Disease (e.g. Al Jumah_2004). These data indicate that the variant is very likely to be associated with disease. The following publication has been ascertained in the context of this evaluation (PMID: 14748773). ClinVar contains an entry for this variant (Variation ID: 800870). Based on the evidence outlined above, the variant was classified as pathogenic.

GeneDx
Classification: Likely pathogenic. Last evaluated: 2024-06-07. Review status: criteria provided, single submitter. Criteria: GeneDx Variant Classification Process June 2021. Collection method: clinical testing. Allele origin: germline. Affected: yes.
Comment: Not observed at significant frequency in large population cohorts (gnomAD); In silico analysis supports that this missense variant has a deleterious effect on protein structure/function; This variant is associated with the following publications: (PMID: 10502777, 29085216, 37644014, 28039895, 21682854, 22692182, 14748773, 35220961, 36360177, 20130778)

Revvity Omics, Revvity
Classification: Likely pathogenic for Wilson disease. Last evaluated: 2024-03-21. Review status: criteria provided, single submitter. Criteria: ACMG Guidelines, 2015. Collection method: clinical testing. Allele origin: germline.

Genomic Medicine Center of Excellence, King Faisal Specialist Hospital and Research Centre
Classification: Pathogenic for Wilson disease. Last evaluated: 2023-05-08. Review status: criteria provided, single submitter. Criteria: ACMG Guidelines, 2015. Collection method: research. Allele origin: germline. Affected: yes.

Laboratory for Molecular Medicine, Mass General Brigham Personalized Medicine
Classification: Likely pathogenic for Wilson disease. Last evaluated: 2022-06-30. Review status: criteria provided, single submitter. Criteria: ACMG Guidelines, 2015. Collection method: clinical testing. Allele origin: germline.
Comment: The p.Ser744Pro variant in ATP7B has been reported in several individuals with Wilson's disease in the homozygous state (Curtis 1999 PMID: 10502777, Al Jumah 2004 PMID: 14748773, Abdel Ghaffar 2011 PMID: 21682854). The variant was absent from large population studies. Computational tools and conservation analyses suggest that this variant may impact the protein, though this information is not predictive enough to determine pathogenicity. In summary, although additional studies are required to fully establish its clinical significance, this variant meets criteria to be classified as likely pathogenic for autosomal recessive Wilson's disease. ACMG/AMP criteria applied: PM3_S, PP3, PM2_P.

Genome-Nilou Lab
Classification: Likely pathogenic for Wilson disease. Last evaluated: 2021-08-10. Review status: criteria provided, single submitter. Criteria: ACMG Guidelines, 2015. Collection method: clinical testing. Allele origin: germline. Affected: no.

Biochemical Molecular Genetic Laboratory, King Abdulaziz Medical City
Classification: Pathogenic for Wilson disease. Last evaluated: 2019-09-15. Review status: no assertion criteria provided. Collection method: clinical testing. Allele origin: germline. Affected: yes. Observed: 2 variant alleles. Not counted in ClinVar's aggregate classification.

Literature cited by the submitters: PubMed 10502777 (cited by Labcorp Genetics (formerly Invitae), Labcorp); PubMed 14748773 (cited by Labcorp Genetics (formerly Invitae), Labcorp and Women's Health and Genetics/Laboratory Corporation of America, LabCorp); PubMed 21682854 (cited by Labcorp Genetics (formerly Invitae), Labcorp); PubMed 27398169 (cited by Labcorp Genetics (formerly Invitae), Labcorp).

NM_000053.4(ATP7B):c.2230T>C (p.Ser744Pro)

Gene: ATP7B (ATPase copper transporting beta; minus strand). Cytogenetic location: 13q14.3.
Variant type: single nucleotide variant.
Coding change: c.2230T>C on transcript NM_000053.4 (MANE Select); coding-DNA position 2230, T replaced by C.
Protein change: p.Ser744Pro; replaces serine 744 with proline.
Molecular consequence: missense variant. On other transcripts: intron variant (2).
Genome position (GRCh38, 1-based): chr13:51,958,436, A>G on the plus strand (T>C on the coding strand, the complement: ATP7B is on the minus strand). VCF-style: chr13-51958436-A-G. GRCh37 (hg19) VCF-style: chr13-52532572-A-G.
Other names: c.2230T>C (NM_000053.3); c.1897T>C, p.Ser633Pro (NM_001243182.2); c.1978T>C, p.Ser660Pro (NM_001330579.2); c.1870-829T>C (NM_001005918.3); c.2122-829T>C (NM_001330578.2); short protein forms S633P, S660P, S744P.
Identifiers: ClinVar variation 800870 (VCV000800870.17), dbSNP rs1593726081, ClinGen allele CA388022479.
Genomic context (GRCh38, chr13:51,958,436, plus strand): 5'-AGAATGTCACAGGGCTCCTCTCCGCCTTCTCAGCCACAGCAACCACCAGGATGACCAGAG[A>G]ATAAACATAAGCAATGCTTGTGGCCAGGACGATGAGCACGTCCATGTTGGCTGACCTGTG-3'
Protein context (NP_000044.2, residues 734-754): VLATSIAYVY[Ser744Pro]LVILVVAVAE